The following is an entry in ClinVar:

NM_153704.6(TMEM67):c.2368C>T (p.His790Tyr)

Gene: TMEM67 (transmembrane protein 67; plus strand). Cytogenetic location: 8q22.1.
Variant type: single nucleotide variant.
Coding change: c.2368C>T on transcript NM_153704.6 (MANE Select); coding-DNA position 2368, C replaced by T.
Protein change: p.His790Tyr; replaces histidine 790 with tyrosine.
Molecular consequence: missense variant. On other transcripts: non-coding transcript variant (1).
Genome position (GRCh38, 1-based): chr8:93,804,807, C>T. VCF-style: chr8-93804807-C-T. GRCh37 (hg19) VCF-style: chr8-94817035-C-T.
Other names: c.2125C>T, p.His709Tyr (NM_001142301.1); short protein forms H709Y, H790Y.
Identifiers: ClinVar variation 4689235 (VCV004689235.1).

ClinVar aggregate classification (germline): Uncertain significance (1 of 4 stars; one submission).

gnomAD v4.1: 1 of 1,607,630 alleles (0.000062%); highest among the groups gnomAD compares: Non-Finnish European, 0.000085%; no homozygotes.

Submission:

Women's Health and Genetics/Laboratory Corporation of America, LabCorp
Classification: Uncertain significance. Last evaluated: 2026-01-20. Review status: criteria provided, single submitter. Criteria: LabCorp Variant Classification Summary - May 2015. Collection method: clinical testing. Allele origin: germline.
Comment: Variant summary: TMEM67 c.2368C>T (p.His790Tyr) results in a conservative amino acid change in the encoded protein sequence. Algorithms developed to predict the effect of missense changes on protein structure and function are either unavailable or do not agree on the potential impact of this missense change. The variant was absent in 250902 control chromosomes. The available data on variant occurrences in the general population are insufficient to allow any conclusion about variant significance. To our knowledge, no occurrence of c.2368C>T in individuals affected with TMEM67-related conditions and no experimental evidence demonstrating its impact on protein function have been reported. No submitters have cited clinical-significance assessments for this variant to ClinVar. Based on the evidence outlined above, the variant was classified as uncertain significance.